The following is an entry in ClinVar:

NM_006445.4(PRPF8):c.2790C>T (p.Ala930=)

Gene: PRPF8 (pre-mRNA processing factor 8; minus strand). Cytogenetic location: 17p13.3.
Variant type: single nucleotide variant.
Coding change: c.2790C>T on transcript NM_006445.4 (MANE Select); coding-DNA position 2790, C replaced by T.
Protein change: p.Ala930=; no amino-acid change (alanine 930 retained).
Molecular consequence: synonymous variant.
Genome position (GRCh38, 1-based): chr17:1,675,702, G>A on the plus strand (C>T on the coding strand, the complement: PRPF8 is on the minus strand). VCF-style: chr17-1675702-G-A. GRCh37 (hg19) VCF-style: chr17-1578996-G-A.
Identifiers: ClinVar variation 321899 (VCV000321899.14), dbSNP rs779910932, ClinGen allele CA8272050.

ClinVar aggregate classification (germline): Conflicting classifications of pathogenicity. Review status: criteria provided, conflicting classifications (1 of 4 stars). 4 submissions from 4 submitters: Uncertain significance (1); Likely benign (3). Last evaluated 2025-07-16.

Conditions:
PRPF8-related disorder. Also called: PRPF8-related condition.
Retinitis pigmentosa (RP). Identifiers: Orphanet 791, MedGen C0035334, MeSH D012174, MONDO:0019200, OMIM 268000. Inheritance: Autosomal dominant, autosomal recessive and X linked inheritance.

Allele frequency attached by ClinVar (database versions not stated): gnomAD exomes 0.00001 and 0.00003; TOPMed 0.00002; ExAC 0.00005.
gnomAD v4.1: 22 of 1,614,100 alleles (0.0014%); highest among the groups gnomAD compares: South Asian, 0.0022%; no homozygotes.

Submissions (4):

PreventionGenetics, part of Exact Sciences
Classification: Likely benign for PRPF8-related condition. Last evaluated: 2025-07-16. Review status: criteria provided, single submitter. Criteria: ACMG Guidelines, 2015. Collection method: clinical testing. Allele origin: germline.
Comment: This variant is classified as likely benign based on ACMG/AMP sequence variant interpretation guidelines (Richards et al. 2015 PMID: 25741868, with internal and published modifications).

Labcorp Genetics (formerly Invitae), Labcorp
Classification: Likely benign. Last evaluated: 2024-06-06. Review status: criteria provided, single submitter. Criteria: Invitae Variant Classification Sherloc (09022015). Collection method: clinical testing. Allele origin: germline.

Blueprint Genetics
Classification: Likely benign. Last evaluated: 2022-08-26. Review status: criteria provided, single submitter. Criteria: ACMG Guidelines, 2015. Collection method: clinical testing. Allele origin: germline.

Illumina Laboratory Services, Illumina
Classification: Uncertain significance for Retinitis pigmentosa. Last evaluated: 2018-01-12. Review status: criteria provided, single submitter. Criteria: ICSL Variant Classification Criteria 13 December 2019. Collection method: clinical testing. Allele origin: germline.